The following is an entry in ClinVar:

ClinVar aggregate classification (germline): Benign. Review status: criteria provided, multiple submitters, no conflicts (2 of 4 stars). 9 submissions from 9 submitters: Benign (7). 2 of the submissions do not count toward it. Last evaluated 2026-02-04.

Conditions:
Mucopolysaccharidosis type 6 (MPS6). Also called: N-ACETYLGALACTOSAMINE-4-SULFATASE DEFICIENCY; MPS VI; ARSB DEFICIENCY; ARYLSULFATASE B DEFICIENCY; MPS 6; Maroteaux Lamy syndrome. Identifiers: Orphanet 583, MedGen C0026709, MONDO:0009661, OMIM 253200.

Allele frequency attached by ClinVar (database versions not stated): 1000 Genomes Project 30x 0.02623; 1000 Genomes Project 0.02656; TOPMed 0.04594; ESP Exome Variant Server 0.05236; ExAC 0.05269; gnomAD exomes 0.05287 and 0.06531; gnomAD 0.05293 and 0.05483.
gnomAD v4.1: 103,122 of 1,613,994 alleles (6.4%); highest among the groups gnomAD compares: Non-Finnish European, 7.3%; 3,846 homozygotes.

Submissions (9):

Labcorp Genetics (formerly Invitae), Labcorp
Classification: Benign for Mucopolysaccharidosis type 6. Last evaluated: 2026-02-04. Review status: criteria provided, single submitter. Criteria: Invitae Variant Classification Sherloc (09022015). Collection method: clinical testing. Allele origin: germline.

Blueprint Genetics
Classification: Benign. Last evaluated: 2024-11-26. Review status: criteria provided, single submitter. Criteria: ACMG Guidelines, 2015. Collection method: clinical testing. Allele origin: germline.

Illumina Laboratory Services, Illumina
Classification: Benign for Mucopolysaccharidosis type 6. Last evaluated: 2018-01-13. Review status: criteria provided, single submitter. Criteria: ICSL Variant Classification Criteria 13 December 2019. Collection method: clinical testing. Allele origin: germline.
Comment: This variant was observed in the ICSL laboratory as part of a predisposition screen in an ostensibly healthy population. It had not been previously curated by ICSL or reported in the Human Gene Mutation Database (HGMD: prior to June 1st, 2018), and was therefore a candidate for classification through an automated scoring system. Utilizing variant allele frequency, disease prevalence and penetrance estimates, and inheritance mode, an automated score was calculated to assess if this variant is too frequent to cause the disease. Based on the score and internal cut-off values, a variant classified as benign is not then subjected to further curation. The score for this variant resulted in a classification of benign for this disease.

GeneDx
Classification: Benign. Last evaluated: 2015-03-03. Review status: criteria provided, single submitter. Criteria: GeneDx Variant Classification Process June 2021. Collection method: clinical testing. Allele origin: germline. Affected: yes.

Eurofins Ntd Llc (ga)
Classification: Benign. Last evaluated: 2012-07-13. Review status: criteria provided, single submitter. Criteria: EGL Classification Definitions 2015. Collection method: clinical testing. Allele origin: germline. Observed: 8 variant alleles, 7 heterozygotes, 1 homozygote.

Breakthrough Genomics
Classification: Benign. Review status: criteria provided, single submitter. Criteria: ACMG Guidelines, 2015. Collection method: not provided. Allele origin: germline. Inheritance: Autosomal recessive inheritance. Affected: yes.

PreventionGenetics, part of Exact Sciences
Classification: Benign. Review status: criteria provided, single submitter. Criteria: ACMG Guidelines, 2015. Collection method: clinical testing. Allele origin: germline.

Natera, Inc.
Classification: Benign for Mucopolysaccharidosis type VI. Last evaluated: 2019-11-22. Review status: no assertion criteria provided. Collection method: clinical testing. Allele origin: germline. Not counted in ClinVar's aggregate classification.

Mayo Clinic Laboratories, Mayo Clinic
Classification: Benign. Last evaluated: 2015-10-22. Review status: no assertion criteria provided. Collection method: clinical testing. Allele origin: unknown. Not counted in ClinVar's aggregate classification.

NM_000046.5(ARSB):c.972A>G (p.Gly324=)

Gene: ARSB (arylsulfatase B; minus strand). Cytogenetic location: 5q14.1.
Variant type: single nucleotide variant.
Coding change: c.972A>G on transcript NM_000046.5 (MANE Select); coding-DNA position 972, A replaced by G.
Protein change: p.Gly324=; no amino-acid change (glycine 324 retained).
Molecular consequence: synonymous variant.
Genome position (GRCh38, 1-based): chr5:78,885,754, T>C on the plus strand (A>G on the coding strand, the complement: ARSB is on the minus strand). VCF-style: chr5-78885754-T-C. GRCh37 (hg19) VCF-style: chr5-78181577-T-C.
Other names: c.972A>G, p.Gly324= (NM_198709.3).
Identifiers: ClinVar variation 92357 (VCV000092357.26), dbSNP rs72762973, ClinGen allele CA145655.
Genomic context (GRCh38, chr5:78,885,754, plus strand): 5'-GTTCTTCACGCCCTTCTGCTTCAGCAAGGGGCTTGCCACAAAGCCCACCCCTCGGACGCC[T>C]CCTTCCCACAGGCTCCATTTTCTTCCTCGAAGGGGCCAGTTATTACCCCCTGCCAAAGTC-3'
Protein context (NP_000037.2, residues 314-334): LRGRKWSLWE[Gly324=]GVRGVGFVAS